The following is an entry in ClinVar:

NM_020745.2(AARS2):c.-41C>T

Gene: AARS2 (alanyl-tRNA synthetase 2, mitochondrial; minus strand). Cytogenetic location: 6p21.1.
Variant type: single nucleotide variant.
Coding change: c.-41C>T on transcript NM_020745.2; 41 bases upstream of the start codon, C replaced by T.
Genome position (GRCh38, 1-based): chr6:44,313,364, G>A on the plus strand (C>T on the coding strand, the complement: AARS2 is on the minus strand). VCF-style: chr6-44313364-G-A. GRCh37 (hg19) VCF-style: chr6-44281101-G-A.
Identifiers: ClinVar variation 377395 (VCV000377395.3), dbSNP rs138333586, ClinGen allele CA3834780.
Genomic context (GRCh38, chr6:44,313,364, plus strand): 5'-GCTGCCACTGACGCTGCCATCGTAGCTCCGGGCAGTGACTTTACGTGGTCAAAGAGTGAC[G>A]AGGGAAGGAAGCCAGGCGTTTCCTACAGCGGCCCCTGGCGGTAGGAGGACTCAGGGGGCG-3'

ClinVar aggregate classification (germline): Benign (1 of 4 stars; one submission).

Allele frequency attached by ClinVar (database versions not stated): gnomAD exomes 0.00055 and 0.00207; gnomAD 0.00085 and 0.00102; TOPMed 0.00169; 1000 Genomes Project 30x 0.00312; ExAC 0.00210; 1000 Genomes Project 0.00339.

Submission:

GeneDx
Classification: Benign. Last evaluated: 2015-06-25. Review status: criteria provided, single submitter. Criteria: GeneDx Variant Classification (06012015). Collection method: clinical testing. Allele origin: germline. Affected: yes.
Comment: This variant is considered likely benign or benign based on one or more of the following criteria: it is a conservative change, it occurs at a poorly conserved position in the protein, it is predicted to be benign by multiple in silico algorithms, and/or has population frequency not consistent with disease.